The following is an entry in ClinVar:

NM_002528.7(NTHL1):c.504C>G (p.Ile168Met)

Gene: NTHL1 (nth like DNA glycosylase 1; minus strand). Cytogenetic location: 16p13.3.
Variant type: single nucleotide variant.
Coding change: c.504C>G on transcript NM_002528.7 (MANE Select); coding-DNA position 504, C replaced by G.
Protein change: p.Ile168Met; replaces isoleucine 168 with methionine.
Molecular consequence: missense variant. On other transcripts: intron variant (1).
Genome position (GRCh38, 1-based): chr16:2,044,651, G>C on the plus strand (C>G on the coding strand, the complement: NTHL1 is on the minus strand). VCF-style: chr16-2044651-G-C. GRCh37 (hg19) VCF-style: chr16-2094652-G-C.
Other names: c.174C>G, p.Ile58Met (NM_001318194.2); c.355-925C>G (NM_001318193.2); short protein forms I168M, I58M.
Identifiers: ClinVar variation 969932 (VCV000969932.8), dbSNP rs2084316556, ClinGen allele CA394294119.

ClinVar aggregate classification (germline): Uncertain significance (1 of 4 stars; one submission).

Submission:

Labcorp Genetics (formerly Invitae), Labcorp
Classification: Uncertain significance. Last evaluated: 2019-10-09. Review status: criteria provided, single submitter. Criteria: Invitae Variant Classification Sherloc (09022015). Collection method: clinical testing. Allele origin: germline.
Comment: In summary, the available evidence is currently insufficient to determine the role of this variant in disease. Therefore, it has been classified as a Variant of Uncertain Significance. Algorithms developed to predict the effect of missense changes on protein structure and function are either unavailable or do not agree on the potential impact of this missense change (SIFT: "Deleterious"; PolyPhen-2: "Probably Damaging"; Align-GVGD: "Class C0"). This variant has not been reported in the literature in individuals with NTHL1-related conditions. This variant is not present in population databases (ExAC no frequency). This sequence change replaces isoleucine with methionine at codon 176 of the NTHL1 protein (p.Ile176Met). The isoleucine residue is highly conserved and there is a small physicochemical difference between isoleucine and methionine.